The following is an entry in ClinVar:

ClinVar aggregate classification (germline): Pathogenic/Likely pathogenic. Review status: criteria provided, multiple submitters, no conflicts (2 of 4 stars). 2 submissions from 2 submitters: Pathogenic (1); Likely pathogenic (1). Last evaluated 2022-02-17.

Conditions:
Breast-ovarian cancer, familial, susceptibility to, 2 (BROVCA2). Also called: BRCA2 Hereditary Breast and Ovarian Cancer. Identifiers: Orphanet 145, MedGen C2675520, MONDO:0012933, OMIM 612555. Disease mechanism: loss of function.
Hereditary cancer-predisposing syndrome. Also called: Hereditary neoplastic syndrome; Neoplastic Syndromes, Hereditary; Tumor predisposition; Hereditary Cancer Syndrome. Identifiers: Orphanet 140162, MedGen C0027672, MeSH D009386, MONDO:0015356.

Submissions (2):

Color Diagnostics, LLC DBA Color Health
Classification: Likely pathogenic for Hereditary cancer-predisposing syndrome. Last evaluated: 2022-02-17. Review status: criteria provided, single submitter. Criteria: ACMG Guidelines, 2015. Collection method: clinical testing. Allele origin: germline.
Comment: This variant causes a 3 nucleotide deletion at the -3 to -1 position of intron 17 of the BRCA2 gene. Splice site prediction tools predict that this variant may have a significant impact on RNA splicing. Although this prediction has not been confirmed in published RNA studies, this variant is expected to result in an absent or disrupted protein product. This variant has not been reported in one individual affected with breast cancer (Color internal data). This variant has not been identified in the general population by the Genome Aggregation Database (gnomAD). Different variants affecting the same splice donor site, c.7997-1G>A, c.7977-1G>C, c.7977-1G>T, and c.7977-2A>T, are known to be disease-causing (ClinVar variation ID: 267690, 38132, 126163, 126164). Loss of BRCA2 function is a known mechanism of disease. Based on the available evidence, this variant is classified as Likely Pathogenic.

Consortium of Investigators of Modifiers of BRCA1/2 (CIMBA), c/o University of Cambridge
Classification: Pathogenic for Breast-ovarian cancer, familial, susceptibility to, 2. Last evaluated: 2015-10-02. Review status: criteria provided, single submitter. Criteria: CIMBA Mutation Classification guidelines May 2016. Collection method: clinical testing. Allele origin: germline.

NM_000059.4(BRCA2):c.7977-3_7977-1delinsAA

Gene: BRCA2 (BRCA2 DNA repair associated; plus strand). Cytogenetic location: 13q13.1.
Variant type: Indel.
Coding change: c.7977-3_7977-1delinsAA on transcript NM_000059.4 (MANE Select); 3 bases into the intron before coding-DNA position 7977 through the canonical splice acceptor site of the intron before coding-DNA position 7977, TAG replaced by AA.
Molecular consequence: splice acceptor variant.
Genome position (GRCh38, 1-based): chr13:32,363,176-32,363,178, TAG replaced by AA. VCF-style: chr13-32363176-TAG-AA. GRCh37 (hg19) VCF-style: chr13-32937313-TAG-AA.
Identifiers: ClinVar variation 267691 (VCV000267691.7), dbSNP rs483353073, ClinGen allele CA10602544.